The following is an entry in ClinVar:

NM_000268.4(NF2):c.460G>A (p.Asp154Asn)

Gene: NF2 (NF2, moesin-ezrin-radixin like (MERLIN) tumor suppressor; plus strand). Cytogenetic location: 22q12.2.
Variant type: single nucleotide variant.
Coding change: c.460G>A on transcript NM_000268.4 (MANE Select); coding-DNA position 460, G replaced by A.
Protein change: p.Asp154Asn; replaces aspartic acid 154 with asparagine.
Molecular consequence: missense variant. On other transcripts: non-coding transcript variant (1), intron variant (1).
Genome position (GRCh38, 1-based): chr22:29,654,669, G>A. VCF-style: chr22-29654669-G-A. GRCh37 (hg19) VCF-style: chr22-30050658-G-A.
Other names: c.346G>A, p.Asp116Asn (NM_001407053.1, NM_001407056.1); c.337G>A, p.Asp113Asn (NM_001407054.1, NM_001407058.1, NM_001407062.1 and 1 more transcripts); c.334G>A, p.Asp112Asn (NM_001407055.1, NM_181828.3); c.460G>A, p.Asp154Asn (NM_001407057.1, NM_001407059.1, NM_001407060.1 and 4 more transcripts); c.211G>A, p.Asp71Asn (NM_001407063.1, NM_001407064.1, NM_181830.3 and 1 more transcripts); c.-181G>A (NM_001407065.1); c.229G>A, p.Asp77Asn (NM_001407067.1); c.447+12384G>A (NM_181833.3); short protein forms D154N, D112N, D113N, D71N, D77N, D116N.
Identifiers: ClinVar variation 1741876 (VCV001741876.11), dbSNP rs1330473001, ClinGen allele CA411142132.

ClinVar aggregate classification (germline): Uncertain significance. Review status: criteria provided, multiple submitters, no conflicts (2 of 4 stars). 5 submissions from 5 submitters: Uncertain significance (5). Last evaluated 2025-07-10.

Conditions:
Hereditary cancer-predisposing syndrome. Also called: Hereditary Cancer Syndrome; Hereditary neoplastic syndrome; Neoplastic Syndromes, Hereditary; Tumor predisposition. Identifiers: Orphanet 140162, MedGen C0027672, MeSH D009386, MONDO:0015356.
Familial meningioma. Also called: Meningioma, familial, susceptibility to. Identifiers: Orphanet 263662, MedGen C3551915, MONDO:0011789, OMIM 607174.
Neurofibromatosis, type 2 (SWNV). Also called: SCHWANNOMATOSIS, VESTIBULAR; NF2-Related Schwannomatosis; BILATERAL ACOUSTIC NEUROFIBROMATOSIS. Identifiers: Orphanet 637, MedGen C0027832, MONDO:0007039, OMIM 101000. Disease mechanism: loss of function.

Allele frequency attached by ClinVar (database versions not stated): gnomAD 0.00001; gnomAD exomes 0.00001.
gnomAD v4.1: 8 of 1,613,670 alleles (0.0005%); highest among the groups gnomAD compares: South Asian, 0.0022%; no homozygotes.

Submissions (5):

Labcorp Genetics (formerly Invitae), Labcorp
Classification: Uncertain significance for Neurofibromatosis, type 2. Last evaluated: 2025-07-10. Review status: criteria provided, single submitter. Criteria: Invitae Variant Classification Sherloc (09022015). Collection method: clinical testing. Allele origin: germline.
Comment: This sequence change replaces aspartic acid, which is acidic and polar, with asparagine, which is neutral and polar, at codon 154 of the NF2 protein (p.Asp154Asn). This variant is present in population databases (no rsID available, gnomAD 0.003%). This variant has not been reported in the literature in individuals affected with NF2-related conditions. ClinVar contains an entry for this variant (Variation ID: 1741876). Invitae Evidence Modeling of protein sequence and biophysical properties (such as structural, functional, and spatial information, amino acid conservation, physicochemical variation, residue mobility, and thermodynamic stability) indicates that this missense variant is not expected to disrupt NF2 protein function with a negative predictive value of 80%. In summary, the available evidence is currently insufficient to determine the role of this variant in disease. Therefore, it has been classified as a Variant of Uncertain Significance.

Ambry Genetics
Classification: Uncertain significance for Hereditary cancer-predisposing syndrome. Last evaluated: 2024-11-07. Review status: criteria provided, single submitter. Criteria: Ambry Variant Classification Scheme 2023. Collection method: clinical testing. Allele origin: germline.
Comment: The p.D154N variant (also known as c.460G>A), located in coding exon 5 of the NF2 gene, results from a G to A substitution at nucleotide position 460. The aspartic acid at codon 154 is replaced by asparagine, an amino acid with highly similar properties. This amino acid position is highly conserved in available vertebrate species. In addition, this alteration is predicted to be tolerated by in silico analysis. Since supporting evidence is limited at this time, the clinical significance of this alteration remains unclear.

Baylor Genetics
Classification: Uncertain significance for Familial meningioma. Last evaluated: 2024-02-19. Review status: criteria provided, single submitter. Criteria: ACMG Guidelines, 2015. Collection method: clinical testing. Allele origin: unknown.

Fulgent Genetics
Classification: Uncertain significance for Neurofibromatosis, type 2; Familial meningioma. Last evaluated: 2024-01-18. Review status: criteria provided, single submitter. Criteria: ACMG Guidelines, 2015. Collection method: clinical testing. Allele origin: germline.

All of Us Research Program, National Institutes of Health
Classification: Uncertain significance for Neurofibromatosis, type 2. Last evaluated: 2023-06-26. Review status: criteria provided, single submitter. Criteria: ACMG Guidelines, 2015. Collection method: clinical testing. Allele origin: germline. Inheritance: Autosomal dominant inheritance. Observed: 1 variant allele, 1 heterozygote.
Comment: This missense variant replaces aspartic acid with asparagine at codon 154 of the NF2 protein. Computational prediction suggests that this variant may not impact protein structure and function (internally defined REVEL score threshold <= 0.5, PMID: 27666373). To our knowledge, functional studies have not been reported for this variant. This variant has not been reported in individuals affected with NF2-related disorders in the literature. This variant has been identified in 2/251312 chromosomes in the general population by the Genome Aggregation Database (gnomAD). The available evidence is insufficient to determine the role of this variant in disease conclusively. Therefore, this variant is classified as a Variant of Uncertain Significance.

This study involves interpretation of variants in research participants for the purpose of population health screening. Participant phenotype was not available at the time of variant classification. Additional details can be found in publication PMID: 35346344, PMCID: PMC8962531